The following is an entry in ClinVar:

NM_006005.3(WFS1):c.1174C>T (p.Gln392Ter)

Gene: WFS1 (wolframin ER transmembrane glycoprotein; plus strand). Cytogenetic location: 4p16.1.
Variant type: single nucleotide variant.
Coding change: c.1174C>T on transcript NM_006005.3 (MANE Select); coding-DNA position 1174, C replaced by T.
Protein change: p.Gln392Ter; replaces glutamine 392 with a stop codon.
Molecular consequence: nonsense.
Genome position (GRCh38, 1-based): chr4:6,300,969, C>T. VCF-style: chr4-6300969-C-T. GRCh37 (hg19) VCF-style: chr4-6302696-C-T.
Other names: c.1174C>T, p.Gln392Ter (NM_001145853.1); short protein forms Q392*.
Identifiers: ClinVar variation 620122 (VCV000620122.5), dbSNP rs1430938532, ClinGen allele CA356174396.

ClinVar aggregate classification (germline): Likely pathogenic. Review status: criteria provided, multiple submitters, no conflicts (2 of 4 stars). 2 submissions from 2 submitters: Likely pathogenic (2). Last evaluated 2026-02-01.

Submissions (2):

CeGaT Center for Human Genetics Tuebingen
Classification: Likely pathogenic. Last evaluated: 2026-02-01. Review status: criteria provided, single submitter. Criteria: CeGaT Center For Human Genetics Tuebingen Variant Classification Criteria Version 2. Collection method: clinical testing. Allele origin: germline. Affected: yes. Observed: 1 variant allele.
Comment: WFS1: PVS1:Strong, PM2, PM3

GeneDx
Classification: Likely pathogenic. Last evaluated: 2018-10-25. Review status: criteria provided, single submitter. Criteria: GeneDx Variant Classification (06012015). Collection method: clinical testing. Allele origin: germline. Affected: yes.
Comment: The Q392X variant in the WFS1 gene has been reported previously in an association with autosomal recessive Wolfram syndrome, in an affected individual who was compound heterozygous for the Q392X variant and another loss-of-function WFS1 variant (Zmyslowska et al., 2011). This variant is predicted to cause loss of normal protein function through protein truncation, as the last 499 amino acids are lost. The Q392X variant is not observed at a significant frequency in large population cohorts (Lek et al., 2016). We interpret Q392X as a likely pathogenic variant.